The following is an entry in ClinVar:

NM_002485.5(NBN):c.593C>T (p.Pro198Leu)

Gene: NBN (nibrin; minus strand). Cytogenetic location: 8q21.3.
Variant type: single nucleotide variant.
Coding change: c.593C>T on transcript NM_002485.5 (MANE Select); coding-DNA position 593, C replaced by T.
Protein change: p.Pro198Leu; replaces proline 198 with leucine.
Molecular consequence: missense variant.
Genome position (GRCh38, 1-based): chr8:89,971,282, G>A on the plus strand (C>T on the coding strand, the complement: NBN is on the minus strand). VCF-style: chr8-89971282-G-A. GRCh37 (hg19) VCF-style: chr8-90983510-G-A.
Other names: c.347C>T, p.Pro116Leu (NM_001024688.3); short protein forms P198L, P116L.
Identifiers: ClinVar variation 461575 (VCV000461575.20), dbSNP rs951997505, ClinGen allele CA181276835.

ClinVar aggregate classification (germline): Uncertain significance. Review status: criteria provided, multiple submitters, no conflicts (2 of 4 stars). 6 submissions from 6 submitters: Uncertain significance (6). Last evaluated 2024-11-10.

Conditions:
Hereditary cancer-predisposing syndrome. Also called: Hereditary neoplastic syndrome; Neoplastic Syndromes, Hereditary; Tumor predisposition; Hereditary Cancer Syndrome. Identifiers: Orphanet 140162, MedGen C0027672, MeSH D009386, MONDO:0015356.
Aplastic anemia. Identifiers: Orphanet 182040, Orphanet 88, MedGen C0002874, MONDO:0015909, OMIM 609135, HP:0001915.
Microcephaly, normal intelligence and immunodeficiency (NBS). Also called: IMMUNODEFICIENCY, MICROCEPHALY, AND CHROMOSOMAL INSTABILITY; SEEMANOVA SYNDROME II; Nijmegen breakage syndrome; Microcephaly with normal intelligence immunodeficiency and lymphoreticular malignancies; Nonsyndromal microcephaly autosomal recessive with normal intelligence; Seemanova syndrome 2. Identifiers: Orphanet 647, MedGen C0398791, MONDO:0009623, OMIM 251260.

Allele frequency attached by ClinVar (database versions not stated): TOPMed below 0.00001; gnomAD exomes 0.00001.
gnomAD v4.1: 12 of 1,611,110 alleles (0.00074%); highest among the groups gnomAD compares: Non-Finnish European, 0.00093%; no homozygotes.

Submissions (6):

Ambry Genetics
Classification: Uncertain significance for Hereditary cancer-predisposing syndrome. Last evaluated: 2024-11-10. Review status: criteria provided, single submitter. Criteria: Ambry Variant Classification Scheme 2023. Collection method: clinical testing. Allele origin: germline.
Comment: The p.P198L variant (also known as c.593C>T), located in coding exon 6 of the NBN gene, results from a C to T substitution at nucleotide position 593. The proline at codon 198 is replaced by leucine, an amino acid with similar properties. This amino acid position is highly conserved in available vertebrate species. In addition, this alteration is predicted to be deleterious by in silico analysis. Since supporting evidence is limited at this time, the clinical significance of this alteration remains unclear.

Labcorp Genetics (formerly Invitae), Labcorp
Classification: Uncertain significance for Microcephaly, normal intelligence and immunodeficiency. Last evaluated: 2024-06-30. Review status: criteria provided, single submitter. Criteria: Invitae Variant Classification Sherloc (09022015). Collection method: clinical testing. Allele origin: germline.
Comment: This sequence change replaces proline, which is neutral and non-polar, with leucine, which is neutral and non-polar, at codon 198 of the NBN protein (p.Pro198Leu). This variant is not present in population databases (gnomAD no frequency). This variant has not been reported in the literature in individuals affected with NBN-related conditions. ClinVar contains an entry for this variant (Variation ID: 461575). An algorithm developed to predict the effect of missense changes on protein structure and function (PolyPhen-2) suggests that this variant is likely to be disruptive. In summary, the available evidence is currently insufficient to determine the role of this variant in disease. Therefore, it has been classified as a Variant of Uncertain Significance.

Baylor Genetics
Classification: Uncertain significance for Aplastic anemia. Last evaluated: 2023-06-21. Review status: criteria provided, single submitter. Criteria: ACMG Guidelines, 2015. Collection method: clinical testing. Allele origin: unknown.

GeneDx
Classification: Uncertain significance. Last evaluated: 2022-07-05. Review status: criteria provided, single submitter. Criteria: GeneDx Variant Classification Process June 2021. Collection method: clinical testing. Allele origin: germline. Affected: yes.
Comment: Not observed at significant frequency in large population cohorts (gnomAD); In silico analysis supports that this missense variant has a deleterious effect on protein structure/function; Has not been previously published as pathogenic or benign to our knowledge; This variant is associated with the following publications: (PMID: 24894818)

Genome-Nilou Lab
Classification: Uncertain significance for Microcephaly, normal intelligence and immunodeficiency. Last evaluated: 2021-11-07. Review status: criteria provided, single submitter. Criteria: ACMG Guidelines, 2015. Collection method: clinical testing. Allele origin: germline. Affected: no.

Quest Diagnostics Nichols Institute San Juan Capistrano
Classification: Uncertain significance. Last evaluated: 2018-05-22. Review status: criteria provided, single submitter. Criteria: Quest Diagnostics criteria. Collection method: clinical testing. Allele origin: germline.